The following is an entry in ClinVar:

NM_000264.5(PTCH1):c.1555_1556delinsTA (p.Ala519Tyr)

Gene: PTCH1 (patched 1; minus strand). Cytogenetic location: 9q22.32.
Variant type: Indel.
Coding change: c.1555_1556delinsTA on transcript NM_000264.5 (MANE Select); coding-DNA positions 1555 to 1556, GC replaced by TA.
Protein change: p.Ala519Tyr; replaces alanine 519 with tyrosine.
Molecular consequence: missense variant. On other transcripts: non-coding transcript variant (1).
Genome position (GRCh38, 1-based): chr9:95,476,805-95,476,806, GC replaced by TA on the plus strand (GC replaced by TA on the coding strand, the reverse complement: PTCH1 is on the minus strand). VCF-style: chr9-95476805-GC-TA. GRCh37 (hg19) VCF-style: chr9-98239087-GC-TA.
Other names: c.1102_1103delinsTA, p.Ala368Tyr (NM_001083606.3, NM_001083607.3, NM_001083604.3 and 1 more transcripts); c.1399_1400delinsTA, p.Ala467Tyr (NM_001354918.2); c.1357_1358delinsTA, p.Ala453Tyr (NM_001083602.3); c.1552_1553delinsTA, p.Ala518Tyr (NM_001083603.3); c.1555_1556delinsTA (NM_000264.3); short protein forms A467Y, A518Y, A519Y, A368Y, A453Y.
Identifiers: ClinVar variation 524526 (VCV000524526.10), dbSNP rs1554698275, ClinGen allele CA658797242.

ClinVar aggregate classification (germline): Uncertain significance. Review status: criteria provided, multiple submitters, no conflicts (2 of 4 stars). 2 submissions from 2 submitters: Uncertain significance (2). Last evaluated 2025-07-21.

Conditions:
Hereditary cancer-predisposing syndrome. Also called: Neoplastic Syndromes, Hereditary; Tumor predisposition; Hereditary Cancer Syndrome; Hereditary neoplastic syndrome. Identifiers: Orphanet 140162, MedGen C0027672, MeSH D009386, MONDO:0015356.
Gorlin syndrome. Also called: Nevoid Basal Cell Carcinoma Syndrome; Basal cell nevus syndrome. Identifiers: Orphanet 377, MedGen C0004779, MONDO:0007187.

Submissions (2):

Labcorp Genetics (formerly Invitae), Labcorp
Classification: Uncertain significance for Gorlin syndrome. Last evaluated: 2025-07-21. Review status: criteria provided, single submitter. Criteria: Invitae Variant Classification Sherloc (09022015). Collection method: clinical testing. Allele origin: germline.
Comment: This sequence change replaces alanine, which is neutral and non-polar, with tyrosine, which is neutral and polar, at codon 519 of the PTCH1 protein (p.Ala519Tyr). Information on the frequency of this variant in the gnomAD database is not available, as this variant may be reported differently in the database. This variant has not been reported in the literature in individuals affected with PTCH1-related conditions. ClinVar contains an entry for this variant (Variation ID: 524526). An algorithm developed to predict the effect of missense changes on protein structure and function (PolyPhen-2) suggests that this variant is likely to be disruptive. In summary, the available evidence is currently insufficient to determine the role of this variant in disease. Therefore, it has been classified as a Variant of Uncertain Significance.

Ambry Genetics
Classification: Uncertain significance for Hereditary cancer-predisposing syndrome. Last evaluated: 2025-05-15. Review status: criteria provided, single submitter. Criteria: Ambry Variant Classification Scheme 2023. Collection method: clinical testing. Allele origin: germline.
Comment: The c.1555_1556delGCinsTA variant (also known as p.A519Y), located in coding exon 11 of the PTCH1 gene, results from an in-frame deletion of GC and insertion of TA at nucleotide positions 1555 to 1556. This results in the substitution of the alanine residue for a tyrosine residue at codon 519, an amino acid with dissimilar properties. This amino acid position is highly conserved in available vertebrate species. In addition, the in silico prediction for this variant is inconclusive (Choi Y et al. PLoS ONE. 2012; 7(10):e46688). Based on the available evidence, the clinical significance of this variant remains unclear.